The following is an entry in ClinVar:

ClinVar aggregate classification (germline): Uncertain significance (1 of 4 stars; one submission).

Conditions:
Inborn genetic diseases. Identifiers: MedGen C0950123, MeSH D030342.

Submission:

Ambry Genetics
Classification: Uncertain significance for Inborn genetic diseases. Last evaluated: 2025-09-02. Review status: criteria provided, single submitter. Criteria: Ambry Variant Classification Scheme 2023. Collection method: clinical testing. Allele origin: germline.
Comment: The p.K342E variant (also known as c.1024A>G), located in coding exon 9 of the CEP57 gene, results from an A to G substitution at nucleotide position 1024. The lysine at codon 342 is replaced by glutamic acid, an amino acid with similar properties. This amino acid position is conserved. In addition, this alteration is predicted to be tolerated by in silico analysis. Based on the available evidence, the clinical significance of this variant remains unclear.

NM_014679.5(CEP57):c.1024A>G (p.Lys342Glu)

Gene: CEP57 (centrosomal protein 57; plus strand). Cytogenetic location: 11q21.
Variant type: single nucleotide variant.
Coding change: c.1024A>G on transcript NM_014679.5 (MANE Select); coding-DNA position 1024, A replaced by G.
Protein change: p.Lys342Glu; replaces lysine 342 with glutamic acid.
Molecular consequence: missense variant.
Genome position (GRCh38, 1-based): chr11:95,827,924, A>G. VCF-style: chr11-95827924-A-G. GRCh37 (hg19) VCF-style: chr11-95561088-A-G.
Other names: c.907A>G, p.Lys303Glu (NM_001440872.1); c.844A>G, p.Lys282Glu (NM_001440873.1); c.838A>G, p.Lys280Glu (NM_001440874.1); c.835A>G, p.Lys279Glu (NM_001440875.1); c.829A>G, p.Lys277Glu (NM_001440876.1); c.826A>G, p.Lys276Glu (NM_001440877.1, NM_001440878.1); c.799A>G, p.Lys267Glu (NM_001440879.1); c.763A>G, p.Lys255Glu (NM_001440880.1); and 6 more; short protein forms K241E, K243E, K316E, K277E, K303E, K315E, K333E, K255E.
Identifiers: ClinVar variation 4226399 (VCV004226399.1).